The following is an entry in ClinVar:

ClinVar aggregate classification (germline): Likely benign (0 of 4 stars; one submission).

Conditions:
PLXNA4-related disorder. Also called: PLXNA4-related condition.

Allele frequency attached by ClinVar (database versions not stated): TOPMed 0.00025; gnomAD 0.00034; ESP Exome Variant Server 0.00041.
gnomAD v4.1: 174 of 1,614,004 alleles (0.011%); highest among the groups gnomAD compares: African/African-American, 0.087%; no homozygotes.

Submission:

PreventionGenetics, part of Exact Sciences
Classification: Likely benign for PLXNA4-related condition. Last evaluated: 2021-06-03. Review status: no assertion criteria provided. Collection method: clinical testing. Allele origin: germline.
Comment: This variant is classified as likely benign based on ACMG/AMP sequence variant interpretation guidelines (Richards et al. 2015 PMID: 25741868, with internal and published modifications).

NM_020911.2(PLXNA4):c.3345C>T (p.Pro1115=)

Gene: PLXNA4 (plexin A4; minus strand). Cytogenetic location: 7q32.3.
Variant type: single nucleotide variant.
Coding change: c.3345C>T on transcript NM_020911.2 (MANE Select); coding-DNA position 3345, C replaced by T.
Protein change: p.Pro1115=; no amino-acid change (proline 1115 retained).
Molecular consequence: synonymous variant.
Genome position (GRCh38, 1-based): chr7:132,181,528, G>A on the plus strand (C>T on the coding strand, the complement: PLXNA4 is on the minus strand). VCF-style: chr7-132181528-G-A. GRCh37 (hg19) VCF-style: chr7-131866287-G-A.
Other names: c.3345C>T, p.Pro1115= (NM_001393897.1).
Identifiers: ClinVar variation 3036312 (VCV003036312.2), dbSNP rs370899424, ClinGen allele CA4489513.